The following is an entry in ClinVar:

ClinVar aggregate classification (germline): Uncertain significance (1 of 4 stars; one submission).

Submission:

CeGaT Center for Human Genetics Tuebingen
Classification: Uncertain significance. Last evaluated: 2025-12-01. Review status: criteria provided, single submitter. Criteria: CeGaT Center For Human Genetics Tuebingen Variant Classification Criteria Version 2. Collection method: clinical testing. Allele origin: germline. Affected: yes. Observed: 1 variant allele.
Comment: KDM4B: PM2, BP4

NM_015015.3(KDM4B):c.1423T>C (p.Ser475Pro)

Gene: KDM4B (lysine demethylase 4B; plus strand). Cytogenetic location: 19p13.3.
Variant type: single nucleotide variant.
Coding change: c.1423T>C on transcript NM_015015.3 (MANE Select); coding-DNA position 1423, T replaced by C.
Protein change: p.Ser475Pro; replaces serine 475 with proline.
Molecular consequence: missense variant.
Genome position (GRCh38, 1-based): chr19:5,131,183, T>C. VCF-style: chr19-5131183-T-C. GRCh37 (hg19) VCF-style: chr19-5131194-T-C.
Other names: c.1525T>C, p.Ser509Pro (NM_001411148.1); short protein forms S475P, S509P.
Identifiers: ClinVar variation 4681716 (VCV004681716.5).
Genomic context (GRCh38, chr19:5,131,183, plus strand): 5'-AAGAAGAAGAGCTTCGGCCTGCTGCCCCCACAGCTGCCGCCCCCGCCTGCTCACTTCCCC[T>C]CAGAGGAGGCGCTGTGGCTGCCATCCCCACTGGAGCCCCCGGTGCTGGGCCCAGGCCCTG-3'
Protein context (NP_055830.1, residues 465-485): QLPPPPAHFP[Ser475Pro]EEALWLPSPL